The following is an entry in ClinVar:

NM_015991.4(C1QA):c.462T>A (p.Thr154=)

Gene: C1QA (complement C1q A chain; plus strand). Cytogenetic location: 1p36.12.
Variant type: single nucleotide variant.
Coding change: c.462T>A on transcript NM_015991.4 (MANE Select); coding-DNA position 462, T replaced by A.
Protein change: p.Thr154=; no amino-acid change (threonine 154 retained).
Molecular consequence: synonymous variant.
Genome position (GRCh38, 1-based): chr1:22,639,131, T>A. VCF-style: chr1-22639131-T-A. GRCh37 (hg19) VCF-style: chr1-22965624-T-A.
Other names: p.Thr154=; c.462T>A, p.Thr154= (NM_001347465.2, NM_001347466.2).
Identifiers: ClinVar variation 2962018 (VCV002962018.18), dbSNP rs757675781, ClinGen allele CA677788.
Genomic context (GRCh38, chr1:22,639,131, plus strand): 5'-CACGGTCATCACCAACCAGGAAGAACCGTACCAGAACCACTCCGGCCGATTCGTCTGCAC[T>A]GTACCCGGCTACTACTACTTCACCTTCCAGGTGCTGTCCCAGTGGGAAATCTGCCTGTCC-3'
Protein context (NP_057075.1, residues 144-164): YQNHSGRFVC[Thr154=]VPGYYYFTFQ

ClinVar aggregate classification (germline): Likely benign. Review status: criteria provided, multiple submitters, no conflicts (2 of 4 stars). 3 submissions from 3 submitters: Likely benign (3). Last evaluated 2025-07-28.

Allele frequency attached by ClinVar (database versions not stated): gnomAD 0.00004.
gnomAD v4.1: 24 of 1,614,152 alleles (0.0015%); highest among the groups gnomAD compares: Non-Finnish European, 0.0019%; no homozygotes.

Submissions (3):

Mayo Clinic Laboratories, Mayo Clinic
Classification: Likely benign. Last evaluated: 2025-07-28. Review status: criteria provided, single submitter. Criteria: ACMG Guidelines, 2015. Collection method: clinical testing. Allele origin: germline. Observed: 1 variant allele.
Comment: BP4, BP7

Labcorp Genetics (formerly Invitae), Labcorp
Classification: Likely benign. Last evaluated: 2025-02-04. Review status: criteria provided, single submitter. Criteria: Invitae Variant Classification Sherloc (09022015). Collection method: clinical testing. Allele origin: germline.

CeGaT Center for Human Genetics Tuebingen
Classification: Likely benign. Last evaluated: 2024-09-01. Review status: criteria provided, single submitter. Criteria: CeGaT Center For Human Genetics Tuebingen Variant Classification Criteria Version 2. Collection method: clinical testing. Allele origin: germline. Affected: yes. Observed: 1 variant allele.
Comment: C1QA: BP4, BP7